The following is an entry in ClinVar:

ClinVar aggregate classification (germline): Uncertain significance (1 of 4 stars; one submission).

Conditions:
Fanconi anemia (FA). Also called: Fanconi's anemia. Identifiers: Orphanet 84, MedGen C0015625, MeSH D005199, MONDO:0019391.

gnomAD v4.1: 1 of 1,613,966 alleles (0.000062%); highest among the groups gnomAD compares: East Asian, 0.0022%; no homozygotes.

Submission:

Labcorp Genetics (formerly Invitae), Labcorp
Classification: Uncertain significance for Fanconi anemia. Last evaluated: 2020-12-31. Review status: criteria provided, single submitter. Criteria: Invitae Variant Classification Sherloc (09022015). Collection method: clinical testing. Allele origin: germline.
Comment: In summary, the available evidence is currently insufficient to determine the role of this variant in disease. Therefore, it has been classified as a Variant of Uncertain Significance. Algorithms developed to predict the effect of missense changes on protein structure and function output the following: SIFT: "Tolerated"; PolyPhen-2: "Benign"; Align-GVGD: "Class C0". The isoleucine amino acid residue is found in multiple mammalian species, suggesting that this missense change does not adversely affect protein function. These predictions have not been confirmed by published functional studies and their clinical significance is uncertain. This variant has not been reported in the literature in individuals with FANCI-related conditions. This variant is not present in population databases (ExAC no frequency). This sequence change replaces valine with isoleucine at codon 444 of the FANCI protein (p.Val444Ile). The valine residue is highly conserved and there is a small physicochemical difference between valine and isoleucine.

NM_001113378.2(FANCI):c.1330G>A (p.Val444Ile)

Gene: FANCI (FA complementation group I; plus strand). Cytogenetic location: 15q26.1.
Variant type: single nucleotide variant.
Coding change: c.1330G>A on transcript NM_001113378.2 (MANE Select); coding-DNA position 1330, G replaced by A.
Protein change: p.Val444Ile; replaces valine 444 with isoleucine.
Molecular consequence: missense variant.
Genome position (GRCh38, 1-based): chr15:89,278,723, G>A. VCF-style: chr15-89278723-G-A. GRCh37 (hg19) VCF-style: chr15-89821954-G-A.
Other names: c.1051G>A, p.Val351Ile (NM_001376910.1); c.1330G>A, p.Val444Ile (NM_001376911.1, NM_018193.3); short protein forms V351I, V444I.
Identifiers: ClinVar variation 1499325 (VCV001499325.8), dbSNP rs1224560872, ClinGen allele CA393743218.